The following is an entry in ClinVar:

ClinVar aggregate classification (germline): Uncertain significance. Review status: criteria provided, multiple submitters, no conflicts (2 of 4 stars). 2 submissions from 2 submitters: Uncertain significance (2). Last evaluated 2025-09-02.

Conditions:
Fanconi anemia (FA). Also called: Fanconi's anemia. Identifiers: Orphanet 84, MedGen C0015625, MeSH D005199, MONDO:0019391.

gnomAD v4.1: 21 of 1,613,360 alleles (0.0013%); highest among the groups gnomAD compares: East Asian, 0.0022%; no homozygotes.

Submissions (2):

Quest Diagnostics Nichols Institute San Juan Capistrano
Classification: Uncertain significance. Last evaluated: 2025-09-02. Review status: criteria provided, single submitter. Criteria: Quest Diagnostics criteria. Collection method: clinical testing. Allele origin: unknown.
Comment: The FANCA c.1066A>T (p.Thr356Ser) variant has been reported in the published literature in an individual with breast cancer (PMID: 35884425 (2022)). The frequency of this variant in the general population (Genome Aggregation Database) is uninformative in the assessment of its pathogenicity. Analysis of this variant using bioinformatics tools for the prediction of the effect of amino acid changes on protein structure and function yielded predictions that this variant is benign. Based on the available information, we are unable to determine the clinical significance of this variant.

Labcorp Genetics (formerly Invitae), Labcorp
Classification: Uncertain significance for Fanconi anemia. Last evaluated: 2023-01-15. Review status: criteria provided, single submitter. Criteria: Invitae Variant Classification Sherloc (09022015). Collection method: clinical testing. Allele origin: germline.
Comment: This sequence change replaces threonine, which is neutral and polar, with serine, which is neutral and polar, at codon 356 of the FANCA protein (p.Thr356Ser). This variant is present in population databases (no rsID available, gnomAD 0.0009%). This variant has not been reported in the literature in individuals affected with FANCA-related conditions. Advanced modeling of protein sequence and biophysical properties (such as structural, functional, and spatial information, amino acid conservation, physicochemical variation, residue mobility, and thermodynamic stability) performed at Invitae indicates that this missense variant is not expected to disrupt FANCA protein function. In summary, the available evidence is currently insufficient to determine the role of this variant in disease. Therefore, it has been classified as a Variant of Uncertain Significance.

Literature cited by the submitters: PubMed 35884425 (cited by Quest Diagnostics Nichols Institute San Juan Capistrano).

NM_000135.4(FANCA):c.1066A>T (p.Thr356Ser)

Gene: FANCA (FA complementation group A; minus strand). Cytogenetic location: 16q24.3.
Variant type: single nucleotide variant.
Coding change: c.1066A>T on transcript NM_000135.4 (MANE Select); coding-DNA position 1066, A replaced by T.
Protein change: p.Thr356Ser; replaces threonine 356 with serine.
Molecular consequence: missense variant.
Genome position (GRCh38, 1-based): chr16:89,792,488, T>A on the plus strand (A>T on the coding strand, the complement: FANCA is on the minus strand). VCF-style: chr16-89792488-T-A. GRCh37 (hg19) VCF-style: chr16-89858896-T-A.
Other names: c.1066A>T, p.Thr356Ser (NM_001286167.3); c.1066A>T (NM_000135.3); short protein forms T356S.
Identifiers: ClinVar variation 2830763 (VCV002830763.4), dbSNP rs1381381995, ClinGen allele CA397466645.
Genomic context (GRCh38, chr16:89,792,488, plus strand): 5'-CCGCCACGAGCTCAGAAGCAGGTATAATACCACATCCACTCACCCTGCGGTACAGTGAGG[T>A]GAGCAGAGGGTGTGTCCGCGCAAAGCTCCACTCTCTCTGCATCTGAACAGCATCAGATGC-3'
Protein context (NP_000126.2, residues 346-366): WSFARTHPLL[Thr356Ser]SLYRRLFVML